The following is an entry in ClinVar:

ClinVar aggregate classification (germline): Uncertain significance (1 of 4 stars; one submission).

Conditions:
Osteogenesis imperfecta type I (OI1). Also called: OI, TYPE I; OSTEOGENESIS IMPERFECTA TARDA; OSTEOGENESIS IMPERFECTA WITH BLUE SCLERAE; Osteogenesis imperfecta type 1; Lobstein disease; Classic Non-deforming Osteogenesis Imperfecta with Blue Sclerae. Identifiers: Orphanet 216796, Orphanet 666, MedGen C0023931, MONDO:0008146, OMIM 166200. Disease mechanism: loss of function.

Submission:

Labcorp Genetics (formerly Invitae), Labcorp
Classification: Uncertain significance for Osteogenesis imperfecta type I. Last evaluated: 2024-07-01. Review status: criteria provided, single submitter. Criteria: Invitae Variant Classification Sherloc (09022015). Collection method: clinical testing. Allele origin: germline.
Comment: This sequence change replaces isoleucine, which is neutral and non-polar, with methionine, which is neutral and non-polar, at codon 1440 of the COL1A1 protein (p.Ile1440Met). This variant is not present in population databases (gnomAD no frequency). This variant has not been reported in the literature in individuals affected with COL1A1-related conditions. ClinVar contains an entry for this variant (Variation ID: 953670). Advanced modeling of protein sequence and biophysical properties (such as structural, functional, and spatial information, amino acid conservation, physicochemical variation, residue mobility, and thermodynamic stability) performed at Invitae indicates that this missense variant is not expected to disrupt COL1A1 protein function with a negative predictive value of 95%. In summary, the available evidence is currently insufficient to determine the role of this variant in disease. Therefore, it has been classified as a Variant of Uncertain Significance.

NM_000088.4(COL1A1):c.4320C>G (p.Ile1440Met)

Gene: COL1A1 (collagen type I alpha 1 chain; minus strand). Cytogenetic location: 17q21.33.
Variant type: single nucleotide variant.
Coding change: c.4320C>G on transcript NM_000088.4 (MANE Select); coding-DNA position 4320, C replaced by G.
Protein change: p.Ile1440Met; replaces isoleucine 1440 with methionine.
Molecular consequence: missense variant.
Genome position (GRCh38, 1-based): chr17:50,185,577, G>C on the plus strand (C>G on the coding strand, the complement: COL1A1 is on the minus strand). VCF-style: chr17-50185577-G-C. GRCh37 (hg19) VCF-style: chr17-48262938-G-C.
Other names: short protein forms I1440M.
Identifiers: ClinVar variation 953670 (VCV000953670.10), dbSNP rs770326881, ClinGen allele CA400190421.